The following is an entry in ClinVar:

ClinVar aggregate classification (germline): Likely benign (0 of 4 stars; one submission).

Conditions:
CHD8-related disorder. Also called: CHD8-related disorders; CHD8-related condition.

Allele frequency attached by ClinVar (database versions not stated): ExAC 0.00001; TOPMed 0.00001; gnomAD 0.00002.
gnomAD v4.1: 19 of 1,613,574 alleles (0.0012%); highest among the groups gnomAD compares: Non-Finnish European, 0.0015%; no homozygotes.

Submission:

PreventionGenetics, part of Exact Sciences
Classification: Likely benign for CHD8-related condition. Last evaluated: 2021-11-19. Review status: no assertion criteria provided. Collection method: clinical testing. Allele origin: germline.
Comment: This variant is classified as likely benign based on ACMG/AMP sequence variant interpretation guidelines (Richards et al. 2015 PMID: 25741868, with internal and published modifications).

NM_001170629.2(CHD8):c.4727+6C>G

Gene: CHD8 (chromodomain helicase DNA binding protein 8; minus strand). Cytogenetic location: 14q11.2.
Variant type: single nucleotide variant.
Coding change: c.4727+6C>G on transcript NM_001170629.2 (MANE Select); 6 bases into the intron after coding-DNA position 4727, C replaced by G.
Molecular consequence: intron variant.
Genome position (GRCh38, 1-based): chr14:21,400,145, G>C on the plus strand (C>G on the coding strand, the complement: CHD8 is on the minus strand). VCF-style: chr14-21400145-G-C. GRCh37 (hg19) VCF-style: chr14-21868304-G-C.
Other names: c.3890+6C>G (NM_020920.4).
Identifiers: ClinVar variation 3051326 (VCV003051326.2), dbSNP rs750480833, ClinGen allele CA7091165.
Genomic context (GRCh38, chr14:21,400,145, plus strand): 5'-GGAAGAGCTGGCTCAGTAACACTGTAGAAGTTTGAGGTGGAAAATGTCTGCTAATTCTAT[G>C]CTTACTTGTTACACTGATGTTTCAAGTGCTTCTTATAACTTTCATCTTGGAACAAAGTGT-3'